The following is an entry in ClinVar:

NM_020975.6(RET):c.2248G>C (p.Ala750Pro)

Gene: RET (ret proto-oncogene; plus strand). Cytogenetic location: 10q11.21.
Variant type: single nucleotide variant.
Coding change: c.2248G>C on transcript NM_020975.6 (MANE Select); coding-DNA position 2248, G replaced by C.
Protein change: p.Ala750Pro; replaces alanine 750 with proline.
Molecular consequence: missense variant.
Genome position (GRCh38, 1-based): chr10:43,116,695, G>C. VCF-style: chr10-43116695-G-C. GRCh37 (hg19) VCF-style: chr10-43612143-G-C.
Other names: c.2248G>C, p.Ala750Pro (NM_000323.2, NM_001406743.1, NM_001406744.1 and 4 more transcripts); c.1486G>C, p.Ala496Pro (NM_001355216.2); c.2119G>C, p.Ala707Pro (NM_001406761.1, NM_001406762.1, NM_001406764.1); c.2113G>C, p.Ala705Pro (NM_001406763.1, NM_001406765.1); c.1960G>C, p.Ala654Pro (NM_001406766.1, NM_001406767.1, NM_001406770.1); c.1984G>C, p.Ala662Pro (NM_001406768.1); c.1852G>C, p.Ala618Pro (NM_001406769.1, NM_001406772.1); c.1810G>C, p.Ala604Pro (NM_001406771.1, NM_001406773.1); and 10 more; short protein forms A750P, A496P, A267P, A408P, A411P, A420P, A451P, A618P.
Identifiers: ClinVar variation 1446002 (VCV001446002.8), dbSNP rs1554819165, ClinGen allele CA376554750.
Genomic context (GRCh38, chr10:43,116,695, plus strand): 5'-CTAGGAGAAGGCGAATTTGGAAAAGTGGTCAAGGCAACGGCCTTCCATCTGAAAGGCAGA[G>C]CAGGGTACACCACGGTGGCCGTGAAGATGCTGAAAGGTACCTGCCAGGCACAGGCACAGT-3'
Protein context (NP_066124.1, residues 740-760): KATAFHLKGR[Ala750Pro]GYTTVAVKML

ClinVar aggregate classification (germline): Uncertain significance (1 of 4 stars; one submission).

Conditions:
Multiple endocrine neoplasia, type 2 (MEN2). Identifiers: Orphanet 653, MedGen C4048306, MONDO:0019003. Disease mechanism: gain of function.

Submission:

Labcorp Genetics (formerly Invitae), Labcorp
Classification: Uncertain significance for Multiple endocrine neoplasia, type 2. Last evaluated: 2022-01-27. Review status: criteria provided, single submitter. Criteria: Invitae Variant Classification Sherloc (09022015). Collection method: clinical testing. Allele origin: germline.
Comment: In summary, the available evidence is currently insufficient to determine the role of this variant in disease. Therefore, it has been classified as a Variant of Uncertain Significance. Algorithms developed to predict the effect of missense changes on protein structure and function (SIFT, PolyPhen-2, Align-GVGD) all suggest that this variant is likely to be tolerated. This missense change has been observed in individual(s) with clinical features of multiple endocrine neoplasia type 2 (PMID: 17270543, 21542403). This variant is not present in population databases (gnomAD no frequency). This sequence change replaces alanine, which is neutral and non-polar, with proline, which is neutral and non-polar, at codon 750 of the RET protein (p.Ala750Pro).

Literature cited by the submitters: PubMed 17270543; PubMed 21542403.